The following is an entry in ClinVar:

ClinVar aggregate classification (germline): Pathogenic (1 of 4 stars; one submission).

Conditions:
Parathyroid carcinoma (PRTC). Also called: Parathyroid gland carcinoma; CDC73-Related Parathyroid Carcinoma. Identifiers: Orphanet 143, MedGen C0687150, MONDO:0012004, OMIM 608266, HP:0006780.

Submission:

Labcorp Genetics (formerly Invitae), Labcorp
Classification: Pathogenic for Parathyroid carcinoma. Last evaluated: 2022-07-09. Review status: criteria provided, single submitter. Criteria: Invitae Variant Classification Sherloc (09022015). Collection method: clinical testing. Allele origin: germline.
Comment: For these reasons, this variant has been classified as Pathogenic. This variant has not been reported in the literature in individuals affected with CDC73-related conditions. This variant is not present in population databases (gnomAD no frequency). This sequence change creates a premature translational stop signal (p.Met177Ilefs*26) in the CDC73 gene. It is expected to result in an absent or disrupted protein product. Loss-of-function variants in CDC73 are known to be pathogenic (PMID: 12434154).

Literature cited by the submitters: PubMed 12434154.

NM_024529.5(CDC73):c.529_530dup (p.Met177fs)

Gene: CDC73 (cell division cycle 73; plus strand). Cytogenetic location: 1q31.2.
Variant type: Duplication.
Coding change: c.529_530dup on transcript NM_024529.5 (MANE Select); coding-DNA positions 529 to 530, 2 bases duplicated (AT; older notation c.529_530dupAT).
Protein change: p.Met177fs; shifts the reading frame from methionine 177.
Molecular consequence: frameshift variant.
Genome position (GRCh38, 1-based): chr1:193,141,866-193,141,867, AT duplicated; duplicating any 2 consecutive bases within chr1:193,141,865-193,141,867 gives the same sequence; the c. name uses the placement nearest the transcript's 3' end. VCF-style (leftmost placement, unchanged base first): chr1-193141864-C-CTA. GRCh37 (hg19) VCF-style: chr1-193110994-C-CTA.
Other names: short protein forms M177fs.
Identifiers: ClinVar variation 2015343 (VCV002015343.4), dbSNP rs2527324301, ClinGen allele CA2580061759.
Genomic context (GRCh38, chr1:193,141,864, plus strand): 5'-TCCAGGAATGCCTGCTGTGAAAATTTAAAAAAGAAATTGCTTTTAGGTCTTTGTCTGAAG[C>CTA]TATGTCAGTGGAAAAAATTGCTGCAATCAAAGCCAAAATTATGGCTAAGAAAAGATCTAC-3'